The following is an entry in ClinVar:

ClinVar aggregate classification (germline): Likely benign. Review status: criteria provided, multiple submitters, no conflicts (2 of 4 stars). 2 submissions from 2 submitters: Likely benign (2). Last evaluated 2025-12-10.

Conditions:
Evans syndrome, immunodeficiency, and premature immunosenescence associated with tripeptidyl-peptidase II deficiency. Identifiers: MedGen CN231723. Disease mechanism: loss of function.

Allele frequency attached by ClinVar (database versions not stated): TOPMed below 0.00001; ExAC 0.00001; gnomAD 0.00001; gnomAD exomes 0.00001.
gnomAD v4.1: 15 of 1,610,262 alleles (0.00093%); highest among the groups gnomAD compares: South Asian, 0.0033%; no homozygotes.

Submissions (2):

Labcorp Genetics (formerly Invitae), Labcorp
Classification: Likely benign for Evans syndrome, immunodeficiency, and premature immunosenescence associated with tripeptidyl-peptidase II deficiency. Last evaluated: 2025-12-10. Review status: criteria provided, single submitter. Criteria: Invitae Variant Classification Sherloc (09022015). Collection method: clinical testing. Allele origin: germline.

Mayo Clinic Laboratories, Mayo Clinic
Classification: Likely benign. Last evaluated: 2024-03-25. Review status: criteria provided, single submitter. Criteria: ACMG Guidelines, 2015. Collection method: clinical testing. Allele origin: germline. Observed: 1 variant allele.
Comment: BP4, BP7

NM_001330588.2(TPP2):c.3681C>T (p.Asn1227=)

Gene: TPP2 (tripeptidyl peptidase 2; plus strand). Cytogenetic location: 13q33.1.
Variant type: single nucleotide variant.
Coding change: c.3681C>T on transcript NM_001330588.2 (MANE Select); coding-DNA position 3681, C replaced by T.
Protein change: p.Asn1227=; no amino-acid change (asparagine 1227 retained).
Molecular consequence: synonymous variant. On other transcripts: non-coding transcript variant (1).
Genome position (GRCh38, 1-based): chr13:102,676,397, C>T. VCF-style: chr13-102676397-C-T. GRCh37 (hg19) VCF-style: chr13-103328747-C-T.
Other names: p.Asn1214=; c.3768C>T, p.Asn1256= (NM_001367947.1); c.3642C>T, p.Asn1214= (NM_003291.4).
Identifiers: ClinVar variation 1900974 (VCV001900974.6), dbSNP rs773520680, ClinGen allele CA7038331.